The following is an entry in ClinVar:

ClinVar aggregate classification (germline): Pathogenic (1 of 4 stars; one submission).

Conditions:
Fanconi anemia (FA). Also called: Fanconi's anemia. Identifiers: Orphanet 84, MedGen C0015625, MeSH D005199, MONDO:0019391.

Submission:

Labcorp Genetics (formerly Invitae), Labcorp
Classification: Pathogenic for Fanconi anemia. Last evaluated: 2023-04-28. Review status: criteria provided, single submitter. Criteria: Invitae Variant Classification Sherloc (09022015). Collection method: clinical testing. Allele origin: germline.
Comment: For these reasons, this variant has been classified as Pathogenic. This variant has not been reported in the literature in individuals affected with FANCD2-related conditions. This variant is not present in population databases (gnomAD no frequency). This sequence change creates a premature translational stop signal (p.Ser564*) in the FANCD2 gene. It is expected to result in an absent or disrupted protein product. Loss-of-function variants in FANCD2 are known to be pathogenic (PMID: 17436244).

Literature cited by the submitters: PubMed 17436244.

NM_001018115.3(FANCD2):c.1691_1692del (p.Leu563_Ser564insTer)

Genes: FANCD2 (FA complementation group D2; plus strand), LOC107303338 (3p25 FANCD2 Alu-mediated recombination region; plus strand). Cytogenetic location: 3p25.3.
Variant type: Microsatellite.
Coding change: c.1691_1692del on transcript NM_001018115.3 (MANE Select); coding-DNA positions 1691 to 1692, 2 bases deleted (CT; older notation c.1691_1692delCT).
Protein change: p.Leu563_Ser564insTer.
Molecular consequence: nonsense.
Genome position (GRCh38, 1-based): chr3:10,060,328-10,060,329, CT deleted; deleting any 2 consecutive bases within chr3:10,060,324-10,060,329 gives the same sequence; the c. name uses the placement nearest the transcript's 3' end. VCF-style (leftmost placement, unchanged base first): chr3-10060323-GCT-G. GRCh37 (hg19) VCF-style: chr3-10102007-GCT-G.
Other names: c.1691_1692del, p.Leu563_Ser564insTer (NM_001319984.2, NM_001374254.1, NM_033084.6); c.1580_1581del, p.Leu526_Ser527insTer (NM_001374253.1).
Identifiers: ClinVar variation 3018837 (VCV003018837.3), dbSNP rs2469955401, ClinGen allele CA2664390678.
Genomic context (GRCh38, chr3:10,060,323, plus strand): 5'-ATTTTCATCTTTCTTCATCATCTCATTGCAGGATGACATGCACTTGGTGATAAGAAAGCA[GCT>G]CTCTAGCACCGTATTCAAGTACAAGCTCATTGGGATTATTGGTGCTGTGACCATGGCTGG-3'